The following is an entry in ClinVar:

NM_001918.5(DBT):c.910_919del (p.Lys304fs)

Gene: DBT (dihydrolipoamide branched chain transacylase E2; minus strand). Cytogenetic location: 1p21.2.
Variant type: Deletion.
Coding change: c.910_919del on transcript NM_001918.5 (MANE Select); coding-DNA positions 910 to 919, 10 bases deleted (AAACTCTCCT; older notation c.910_919delAAACTCTCCT).
Protein change: p.Lys304fs; shifts the reading frame from lysine 304.
Molecular consequence: frameshift variant.
Genome position (GRCh38, 1-based): chr1:100,214,837-100,214,846, AGGAGAGTTT deleted on the plus strand (AAACTCTCCT on the coding strand, the reverse complement: DBT is on the minus strand); deleting any 10 consecutive bases within chr1:100,214,837-100,214,847 gives the same sequence; the c. name uses the placement nearest the transcript's 3' end. VCF-style (leftmost placement, unchanged base first): chr1-100214836-AAGGAGAGTTT-A. GRCh37 (hg19) VCF-style: chr1-100680392-AAGGAGAGTTT-A.
Other names: short protein forms K304fs.
Identifiers: ClinVar variation 1072213 (VCV001072213.8), dbSNP rs2100797119, ClinGen allele CA2499214078.

ClinVar aggregate classification (germline): Pathogenic (1 of 4 stars; one submission).

Conditions:
Maple syrup urine disease (MSUD). Identifiers: Orphanet 511, MedGen C0024776, MeSH D008375, MONDO:0009563. Disease mechanism: loss of function.

Submission:

Labcorp Genetics (formerly Invitae), Labcorp
Classification: Pathogenic for Maple syrup urine disease. Last evaluated: 2020-09-24. Review status: criteria provided, single submitter. Criteria: Invitae Variant Classification Sherloc (09022015). Collection method: clinical testing. Allele origin: germline.
Comment: This variant has not been reported in the literature in individuals with DBT-related conditions. This variant is not present in population databases (ExAC no frequency). This sequence change creates a premature translational stop signal (p.Lys304Leufs*6) in the DBT gene. It is expected to result in an absent or disrupted protein product. Loss-of-function variants in DBT are known to be pathogenic (PMID: 16579849, 16786533). For these reasons, this variant has been classified as Pathogenic.

Literature cited by the submitters: PubMed 16579849; PubMed 16786533.